The following is an entry in ClinVar:

ClinVar aggregate classification (germline): Uncertain significance. Review status: criteria provided, multiple submitters, no conflicts (2 of 4 stars). 2 submissions from 2 submitters: Uncertain significance (2). Last evaluated 2025-10-01.

Conditions:
RPGR-related disorder. Also called: RPGR-related condition.
Primary ciliary dyskinesia. Also called: Ciliary dyskinesia. Identifiers: Orphanet 244, MedGen C0008780, MONDO:0016575, HP:0012265.

Allele frequency attached by ClinVar (database versions not stated): gnomAD 0.00003.

Submissions (2):

Labcorp Genetics (formerly Invitae), Labcorp
Classification: Uncertain significance for Primary ciliary dyskinesia. Last evaluated: 2025-10-01. Review status: criteria provided, single submitter. Criteria: Invitae Variant Classification Sherloc (09022015). Collection method: clinical testing. Allele origin: germline.
Comment: This sequence change replaces glutamic acid, which is acidic and polar, with lysine, which is basic and polar, at codon 996 of the RPGR (ORF15) protein (p.Glu996Lys). The frequency data for this variant in the population databases is considered unreliable, as metrics indicate poor data quality at this position in the gnomAD database. This variant has not been reported in the literature in individuals affected with RPGR (ORF15)-related conditions. ClinVar contains an entry for this variant (Variation ID: 2142138). Invitae Evidence Modeling of protein sequence and biophysical properties (such as structural, functional, and spatial information, amino acid conservation, physicochemical variation, residue mobility, and thermodynamic stability) indicates that this missense variant is not expected to disrupt RPGR (ORF15) protein function with a negative predictive value of 95%. In summary, the available evidence is currently insufficient to determine the role of this variant in disease. Therefore, it has been classified as a Variant of Uncertain Significance.

PreventionGenetics, part of Exact Sciences
Classification: Uncertain significance for RPGR-related condition. Last evaluated: 2025-09-22. Review status: criteria provided, single submitter. Criteria: ACMG Guidelines, 2015. Collection method: clinical testing. Allele origin: germline.
Comment: The RPGR c.2986G>A variant is predicted to result in the amino acid substitution p.Glu996Lys. To our knowledge, this variant has not been reported in the literature or in a large population database (gnomAD) indicating the variant is rare. At this time, the clinical significance of this variant is uncertain due to the absence of conclusive functional and genetic evidence.

NM_001034853.2(RPGR):c.2986G>A (p.Glu996Lys)

Gene: RPGR (retinitis pigmentosa GTPase regulator; minus strand). Cytogenetic location: Xp11.4.
Variant type: single nucleotide variant.
Coding change: c.2986G>A on transcript NM_001034853.2 (MANE Select); coding-DNA position 2986, G replaced by A.
Protein change: p.Glu996Lys; replaces glutamic acid 996 with lysine.
Molecular consequence: missense variant. On other transcripts: intron variant (8).
Genome position (GRCh38, 1-based): chrX:38,286,013, C>T on the plus strand (G>A on the coding strand, the complement: RPGR is on the minus strand). VCF-style: chrX-38286013-C-T. GRCh37 (hg19) VCF-style: chrX-38145266-C-T.
Other names: c.1569+4946G>A (NM_001367249.1, NM_001367250.1); c.1902+1081G>A (NM_001367245.1); c.1386+4946G>A (NM_001367251.1); c.1719+1081G>A (NM_001367246.1); c.1572+4946G>A (NM_001367247.1); c.1905+1081G>A (NM_000328.3); c.1602+4946G>A (NM_001367248.1); c.2986G>A (NM_001034853.1); short protein forms E996K.
Identifiers: ClinVar variation 2142138 (VCV002142138.5), dbSNP rs1407084752, ClinGen allele CA412729285.